The following is an entry in ClinVar:

ClinVar aggregate classification (germline): Uncertain significance (1 of 4 stars; one submission).

Allele frequency attached by ClinVar (database versions not stated): gnomAD 0.00004; TOPMed 0.00003.
gnomAD v4.1: 67 of 1,613,490 alleles (0.0042%); highest among the groups gnomAD compares: Admixed American, 0.032%; no homozygotes.

Submission:

Labcorp Genetics (formerly Invitae), Labcorp
Classification: Uncertain significance. Last evaluated: 2022-04-24. Review status: criteria provided, single submitter. Criteria: Invitae Variant Classification Sherloc (09022015). Collection method: clinical testing. Allele origin: germline.
Comment: This sequence change replaces arginine, which is basic and polar, with glutamine, which is neutral and polar, at codon 127 of the TRMT10A protein (p.Arg127Gln). This variant is present in population databases (rs749603901, gnomAD 0.04%). This variant has not been reported in the literature in individuals affected with TRMT10A-related conditions. Algorithms developed to predict the effect of missense changes on protein structure and function are either unavailable or do not agree on the potential impact of this missense change (SIFT: "Tolerated"; PolyPhen-2: "Possibly Damaging"; Align-GVGD: "Class C0"). In summary, the available evidence is currently insufficient to determine the role of this variant in disease. Therefore, it has been classified as a Variant of Uncertain Significance.

NM_001134665.3(TRMT10A):c.380G>A (p.Arg127Gln)

Gene: TRMT10A (tRNA methyltransferase 10A; minus strand). Cytogenetic location: 4q23.
Variant type: single nucleotide variant.
Coding change: c.380G>A on transcript NM_001134665.3 (MANE Select); coding-DNA position 380, G replaced by A.
Protein change: p.Arg127Gln; replaces arginine 127 with glutamine.
Molecular consequence: missense variant.
Genome position (GRCh38, 1-based): chr4:99,557,385, C>T on the plus strand (G>A on the coding strand, the complement: TRMT10A is on the minus strand). VCF-style: chr4-99557385-C-T. GRCh37 (hg19) VCF-style: chr4-100478542-C-T.
Other names: c.380G>A, p.Arg127Gln (NM_001134666.3, NM_001375880.1, NM_001375881.1 and 2 more transcripts); short protein forms R127Q.
Identifiers: ClinVar variation 1450037 (VCV001450037.4), dbSNP rs749603901, ClinGen allele CA3021550.
Genomic context (GRCh38, chr4:99,557,385, plus strand): 5'-TTTAAAATCTTTACACATACCTGCACAGGATGCAGTGCCCGTCGGTTTTCTGCGTAACAT[C>T]GTTGAATCTGCTTATGAAGTTTCTTAATGTCCTATCACAGAGTTCAATTTTTAAAGCAAA-3'
Protein context (NP_001128137.1, residues 117-137): DIKKLHKQIQ[Arg127Gln]CYAENRRALH